The following is an entry in ClinVar:

NM_006031.6(PCNT):c.7567G>A (p.Ala2523Thr)

Gene: PCNT (pericentrin; plus strand). Cytogenetic location: 21q22.3.
Variant type: single nucleotide variant.
Coding change: c.7567G>A on transcript NM_006031.6 (MANE Select); coding-DNA position 7567, G replaced by A.
Protein change: p.Ala2523Thr; replaces alanine 2523 with threonine.
Molecular consequence: missense variant.
Genome position (GRCh38, 1-based): chr21:46,428,467, G>A. VCF-style: chr21-46428467-G-A. GRCh37 (hg19) VCF-style: chr21-47848381-G-A.
Other names: c.7213G>A, p.Ala2405Thr (NM_001315529.2); c.7567G>A (NM_006031.5); short protein forms A2405T, A2523T.
Identifiers: ClinVar variation 2414879 (VCV002414879.4), dbSNP rs575996069, ClinGen allele CA10080708.

ClinVar aggregate classification (germline): Uncertain significance. Review status: criteria provided, multiple submitters, no conflicts (2 of 4 stars). 2 submissions from 2 submitters: Uncertain significance (2). Last evaluated 2025-06-16.

Conditions:
PCNT-related disorder. Also called: PCNT-related condition.

Allele frequency attached by ClinVar (database versions not stated): 1000 Genomes Project 0.00020; TOPMed 0.00001; gnomAD 0.00003; gnomAD exomes 0.00006; ExAC 0.00014; 1000 Genomes Project 30x 0.00016.
gnomAD v4.1: 82 of 1,612,412 alleles (0.0051%); highest among the groups gnomAD compares: South Asian, 0.089%; 1 homozygote.

Submissions (2):

PreventionGenetics, part of Exact Sciences
Classification: Uncertain significance for PCNT-related condition. Last evaluated: 2025-06-16. Review status: criteria provided, single submitter. Criteria: ACMG Guidelines, 2015. Collection method: clinical testing. Allele origin: germline.
Comment: The PCNT c.7567G>A variant is predicted to result in the amino acid substitution p.Ala2523Thr. To our knowledge, this variant has not been reported in the literature in individuals with PCNT-related disease. This variant is reported in 0.11% of alleles in individuals of South Asian descent in gnomAD. Although we suspect that this variant may be benign, at this time, the clinical significance of this variant is uncertain due to the absence of conclusive functional and genetic evidence.

Labcorp Genetics (formerly Invitae), Labcorp
Classification: Uncertain significance. Last evaluated: 2022-08-10. Review status: criteria provided, single submitter. Criteria: Invitae Variant Classification Sherloc (09022015). Collection method: clinical testing. Allele origin: germline.
Comment: This sequence change replaces alanine, which is neutral and non-polar, with threonine, which is neutral and polar, at codon 2523 of the PCNT protein (p.Ala2523Thr). This variant is present in population databases (rs575996069, gnomAD 0.1%). This variant has not been reported in the literature in individuals affected with PCNT-related conditions. Algorithms developed to predict the effect of missense changes on protein structure and function are either unavailable or do not agree on the potential impact of this missense change (SIFT: "Tolerated"; PolyPhen-2: "Possibly Damaging"; Align-GVGD: "Class C0"). In summary, the available evidence is currently insufficient to determine the role of this variant in disease. Therefore, it has been classified as a Variant of Uncertain Significance.